The following is an entry in ClinVar:

ClinVar aggregate classification (germline): Uncertain significance (1 of 4 stars; one submission).

Conditions:
Hereditary nonpolyposis colorectal neoplasms. Identifiers: MedGen C0009405, MeSH D003123.

Submission:

Labcorp Genetics (formerly Invitae), Labcorp
Classification: Uncertain significance for Hereditary nonpolyposis colorectal neoplasms. Last evaluated: 2022-06-13. Review status: criteria provided, single submitter. Criteria: Invitae Variant Classification Sherloc (09022015). Collection method: clinical testing. Allele origin: germline.
Comment: In summary, the available evidence is currently insufficient to determine the role of this variant in disease. Therefore, it has been classified as a Variant of Uncertain Significance. Algorithms developed to predict the effect of sequence changes on RNA splicing suggest that this variant may create or strengthen a splice site. Advanced modeling of protein sequence and biophysical properties (such as structural, functional, and spatial information, amino acid conservation, physicochemical variation, residue mobility, and thermodynamic stability) performed at Invitae indicates that this missense variant is not expected to disrupt MSH6 protein function. ClinVar contains an entry for this variant (Variation ID: 410458). This variant has not been reported in the literature in individuals affected with MSH6-related conditions. This variant is not present in population databases (gnomAD no frequency). This sequence change replaces alanine, which is neutral and non-polar, with glycine, which is neutral and non-polar, at codon 787 of the MSH6 protein (p.Ala787Gly).

NM_000179.3(MSH6):c.2360C>G (p.Ala787Gly)

Gene: MSH6 (mutS homolog 6; plus strand). Cytogenetic location: 2p16.3.
Variant type: single nucleotide variant.
Coding change: c.2360C>G on transcript NM_000179.3 (MANE Select); coding-DNA position 2360, C replaced by G.
Protein change: p.Ala787Gly; replaces alanine 787 with glycine.
Molecular consequence: missense variant.
Genome position (GRCh38, 1-based): chr2:47,800,343, C>G. VCF-style: chr2-47800343-C-G. GRCh37 (hg19) VCF-style: chr2-48027482-C-G.
Other names: c.1970C>G, p.Ala657Gly (NM_001281492.2); c.1454C>G, p.Ala485Gly (NM_001281493.2, NM_001281494.2); short protein forms A787G, A657G, A485G.
Identifiers: ClinVar variation 410458 (VCV000410458.10), dbSNP rs63750637, ClinGen allele CA16611147.